The following is an entry in ClinVar:

NM_015089.4(CUL9):c.6173A>C (p.His2058Pro)

Gene: CUL9 (cullin 9; plus strand). Cytogenetic location: 6p21.1.
Variant type: single nucleotide variant.
Coding change: c.6173A>C on transcript NM_015089.4 (MANE Select); coding-DNA position 6173, A replaced by C.
Protein change: p.His2058Pro; replaces histidine 2058 with proline.
Molecular consequence: missense variant.
Genome position (GRCh38, 1-based): chr6:43,216,394, A>C. VCF-style: chr6-43216394-A-C. GRCh37 (hg19) VCF-style: chr6-43184132-A-C.
Other names: short protein forms H2058P.
Identifiers: ClinVar variation 3058940 (VCV003058940.2), dbSNP rs2273709, ClinGen allele CA3818574.

ClinVar aggregate classification (germline): Benign (0 of 4 stars; one submission).

Conditions:
CUL9-related disorder. Also called: CUL9-related condition.

Allele frequency attached by ClinVar (database versions not stated): gnomAD exomes 0.22546; ExAC 0.26092; gnomAD 0.34404; ESP Exome Variant Server 0.36283; TOPMed 0.36560; 1000 Genomes Project 0.39936; 1000 Genomes Project 30x 0.40506.
gnomAD v4.1: 383,060 of 1,613,862 alleles (24%); highest among the groups gnomAD compares: African/African-American, 68%; 54,616 homozygotes.

Submission:

PreventionGenetics, part of Exact Sciences
Classification: Benign for CUL9-related condition. Last evaluated: 2019-10-28. Review status: no assertion criteria provided. Collection method: clinical testing. Allele origin: germline.
Comment: This variant is classified as benign based on ACMG/AMP sequence variant interpretation guidelines (Richards et al. 2015 PMID: 25741868, with internal and published modifications).